The following is an entry in ClinVar:

ClinVar aggregate classification (germline): Likely benign (1 of 4 stars; one submission).

Allele frequency attached by ClinVar (database versions not stated): ESP Exome Variant Server 0.00115; 1000 Genomes Project 0.00120; 1000 Genomes Project 30x 0.00125.
gnomAD v4.1: 2,012 of 1,614,098 alleles (0.12%); highest among the groups gnomAD compares: Middle Eastern, 0.64%; 9 homozygotes.

Submissions (13):

CeGaT Center for Human Genetics Tuebingen
Classification: Likely benign. Last evaluated: 2025-12-01. Review status: criteria provided, single submitter. Criteria: CeGaT Center For Human Genetics Tuebingen Variant Classification Criteria Version 2. Collection method: clinical testing. Allele origin: germline. Affected: yes. Observed: 3 variant alleles.
Comment: ABHD16A: BS2

Dr. Peter K. Rogan Lab, Western University
No classification provided (evidence only). Condition: Clear cell carcinoma of kidney. Review status: no classification provided. Collection method: in vitro. Allele origin: not applicable. Functional consequence: retained intron. Not counted in ClinVar's aggregate classification.

Dr. Peter K. Rogan Lab, Western University
No classification provided (evidence only). Condition: Clear cell carcinoma of kidney. Review status: no classification provided. Collection method: in vitro. Allele origin: not applicable. Functional consequence: retained intron. Not counted in ClinVar's aggregate classification.

Dr. Peter K. Rogan Lab, Western University
No classification provided (evidence only). Condition: Clear cell carcinoma of kidney. Review status: no classification provided. Collection method: in vitro. Allele origin: not applicable. Functional consequence: retained intron. Not counted in ClinVar's aggregate classification.

Dr. Peter K. Rogan Lab, Western University
No classification provided (evidence only). Condition: Clear cell carcinoma of kidney. Review status: no classification provided. Collection method: in vitro. Allele origin: not applicable. Functional consequence: retained intron. Not counted in ClinVar's aggregate classification.

Dr. Peter K. Rogan Lab, Western University
No classification provided (evidence only). Condition: Clear cell carcinoma of kidney. Review status: no classification provided. Collection method: in vitro. Allele origin: not applicable. Functional consequence: retained intron. Not counted in ClinVar's aggregate classification.

Dr. Peter K. Rogan Lab, Western University
No classification provided (evidence only). Condition: Familial cancer of breast. Review status: no classification provided. Collection method: in vitro. Allele origin: not applicable. Functional consequence: retained intron. Not counted in ClinVar's aggregate classification.

Dr. Peter K. Rogan Lab, Western University
No classification provided (evidence only). Condition: Familial cancer of breast. Review status: no classification provided. Collection method: in vitro. Allele origin: not applicable. Functional consequence: retained intron. Not counted in ClinVar's aggregate classification.

Dr. Peter K. Rogan Lab, Western University
No classification provided (evidence only). Condition: Acute myeloid leukemia. Review status: no classification provided. Collection method: in vitro. Allele origin: not applicable. Functional consequence: retained intron. Not counted in ClinVar's aggregate classification.

Dr. Peter K. Rogan Lab, Western University
No classification provided (evidence only). Condition: Uterine corpus endometrial carcinoma. Review status: no classification provided. Collection method: in vitro. Allele origin: not applicable. Functional consequence: retained intron. Not counted in ClinVar's aggregate classification.

Dr. Peter K. Rogan Lab, Western University
No classification provided (evidence only). Condition: Ovarian serous cystadenocarcinoma. Review status: no classification provided. Collection method: in vitro. Allele origin: not applicable. Functional consequence: retained intron. Not counted in ClinVar's aggregate classification.

Dr. Peter K. Rogan Lab, Western University
No classification provided (evidence only). Condition: Gastric cancer. Review status: no classification provided. Collection method: in vitro. Allele origin: not applicable. Functional consequence: retained intron. Not counted in ClinVar's aggregate classification.

Dr. Peter K. Rogan Lab, Western University
No classification provided (evidence only). Condition: Malignant tumor of esophagus. Review status: no classification provided. Collection method: in vitro. Allele origin: not applicable. Functional consequence: retained intron. Not counted in ClinVar's aggregate classification.

NM_021160.3(ABHD16A):c.551G>T (p.Arg184Leu)

Gene: ABHD16A (abhydrolase domain containing 16A, phospholipase; minus strand). Cytogenetic location: 6p21.33.
Variant type: single nucleotide variant.
Coding change: c.551G>T on transcript NM_021160.3 (MANE Select); coding-DNA position 551, G replaced by T.
Protein change: p.Arg184Leu; replaces arginine 184 with leucine.
Molecular consequence: missense variant. On other transcripts: non-coding transcript variant (2).
Genome position (GRCh38, 1-based): chr6:31,693,102, C>A on the plus strand (G>T on the coding strand, the complement: ABHD16A is on the minus strand). VCF-style: chr6-31693102-C-A. GRCh37 (hg19) VCF-style: chr6-31660879-C-A.
Other names: NC_000006.11:g.31660879C>A; c.452G>T, p.Arg151Leu (NM_001177515.2); short protein forms R151L, R184L.
Identifiers: ClinVar variation 2656415 (VCV002656415.25), dbSNP rs139667935, ClinGen allele CA3719421.